The following is an entry in ClinVar:

NM_015046.7(SETX):c.4619A>T (p.Gln1540Leu)

Gene: SETX (senataxin; minus strand). Cytogenetic location: 9q34.13.
Variant type: single nucleotide variant.
Coding change: c.4619A>T on transcript NM_015046.7 (MANE Select); coding-DNA position 4619, A replaced by T.
Protein change: p.Gln1540Leu; replaces glutamine 1540 with leucine.
Molecular consequence: missense variant.
Genome position (GRCh38, 1-based): chr9:132,326,979, T>A on the plus strand (A>T on the coding strand, the complement: SETX is on the minus strand). VCF-style: chr9-132326979-T-A. GRCh37 (hg19) VCF-style: chr9-135202366-T-A.
Other names: c.4619A>T, p.Gln1540Leu (NM_001351527.2, NM_001351528.2); short protein forms Q1540L.
Identifiers: ClinVar variation 4789532 (VCV004789532.1).

ClinVar aggregate classification (germline): Uncertain significance (1 of 4 stars; one submission).

Conditions:
Spinocerebellar ataxia, autosomal recessive, with axonal neuropathy 2 (SCAN2). Also called: ATAXIA-OCULOMOTOR APRAXIA 2; Ataxia with Oculomotor Apraxia; Ataxia-ocular apraxia-2; Ataxia with Oculomotor Apraxia Type 2. Identifiers: Orphanet 64753, MedGen C1853761, MONDO:0018996, OMIM 606002.
Amyotrophic lateral sclerosis type 4 (ALS4). Also called: AMYOTROPHIC LATERAL SCLEROSIS 4, JUVENILE; NEURONOPATHY, DISTAL HEREDITARY MOTOR, WITH PYRAMIDAL FEATURES. Identifiers: Orphanet 357043, MedGen C1865409, MONDO:0011223, OMIM 602433.

Submission:

Labcorp Genetics (formerly Invitae), Labcorp
Classification: Uncertain significance for Amyotrophic lateral sclerosis type 4; Spinocerebellar ataxia, autosomal recessive, with axonal neuropathy 2. Last evaluated: 2025-09-03. Review status: criteria provided, single submitter. Criteria: Invitae Variant Classification Sherloc (09022015). Collection method: clinical testing. Allele origin: germline.
Comment: This sequence change replaces glutamine, which is neutral and polar, with leucine, which is neutral and non-polar, at codon 1540 of the SETX protein (p.Gln1540Leu). This variant is not present in population databases (gnomAD no frequency). This variant has not been reported in the literature in individuals affected with SETX-related conditions. Invitae Evidence Modeling of protein sequence and biophysical properties (such as structural, functional, and spatial information, amino acid conservation, physicochemical variation, residue mobility, and thermodynamic stability) indicates that this missense variant is not expected to disrupt SETX protein function with a negative predictive value of 95%. In summary, the available evidence is currently insufficient to determine the role of this variant in disease. Therefore, it has been classified as a Variant of Uncertain Significance.